The following is an entry in ClinVar:

NM_000038.6(APC):c.2107dup (p.Ala703fs)

Gene: APC (APC regulator of Wnt signaling pathway; plus strand). Cytogenetic location: 5q22.2.
Variant type: Duplication.
Coding change: c.2107dup on transcript NM_000038.6 (MANE Select); coding-DNA position 2107, one base duplicated (G; older notation c.2107dupG).
Protein change: p.Ala703fs; shifts the reading frame from alanine 703.
Molecular consequence: frameshift variant.
Genome position (GRCh38, 1-based): chr5:112,837,701, G duplicated; the last of 5 consecutive G bases (chr5:112,837,697-112,837,701); duplicating any one gives the same sequence. VCF-style (leftmost placement, unchanged base first): chr5-112837696-T-TG. GRCh37 (hg19) VCF-style: chr5-112173393-T-TG.
Other names: c.2107dup, p.Ala703fs (NM_001127510.3, NM_001354895.2); c.2053dup, p.Ala685fs (NM_001127511.3); c.2161dup, p.Ala721fs (NM_001354896.2); c.2137dup, p.Ala713fs (NM_001354897.2); c.2032dup, p.Ala678fs (NM_001354898.2); c.2023dup, p.Ala675fs (NM_001354899.2); c.1984dup, p.Ala662fs (NM_001354900.2); c.1930dup, p.Ala644fs (NM_001354901.2); and 5 more; short protein forms A420fs, A602fs, A662fs, A612fs, A703fs, A713fs, A577fs, A675fs.
Identifiers: ClinVar variation 490236 (VCV000490236.15), dbSNP rs587783030, ClinGen allele CA445963414.

ClinVar aggregate classification (germline): Pathogenic. Review status: criteria provided, multiple submitters, no conflicts (2 of 4 stars). 2 submissions from 2 submitters: Pathogenic (2). Last evaluated 2020-02-14.

Conditions:
Familial adenomatous polyposis 1 (FAP1). Also called: POLYPOSIS, ADENOMATOUS INTESTINAL; FAMILIAL ADENOMATOUS POLYPOSIS 1, ATTENUATED. Identifiers: MedGen C2713442, MONDO:0021056, OMIM 175100. Disease mechanism: loss of function.
Hereditary cancer-predisposing syndrome. Also called: Hereditary Cancer Syndrome; Neoplastic Syndromes, Hereditary; Tumor predisposition; Hereditary neoplastic syndrome. Identifiers: Orphanet 140162, MedGen C0027672, MeSH D009386, MONDO:0015356.

Submissions (2):

Color Diagnostics, LLC DBA Color Health
Classification: Pathogenic for Hereditary cancer-predisposing syndrome. Last evaluated: 2020-02-14. Review status: criteria provided, single submitter. Criteria: ACMG Guidelines, 2015. Collection method: clinical testing. Allele origin: germline.
Comment: This variant inserts 1 nucleotide in exon 16 of the APC gene, creating a frameshift and premature translation stop signal. This variant is expected to result in an absent or non-functional protein product. To our knowledge, this variant has not been reported in individuals affected with hereditary cancer in the literature. This variant has not been identified in the general population by the Genome Aggregation Database (gnomAD). Loss of APC function is a known mechanism of disease. Based on the available evidence, this variant is classified as Pathogenic.

Labcorp Genetics (formerly Invitae), Labcorp
Classification: Pathogenic for Familial adenomatous polyposis 1. Last evaluated: 2019-04-20. Review status: criteria provided, single submitter. Criteria: Invitae Variant Classification Sherloc (09022015). Collection method: clinical testing. Allele origin: germline.
Comment: This variant has been observed in individuals affected with familial adenomatous polyposis (PMID: 20223039, 17486639). ClinVar contains an entry for this variant (Variation ID: 490236). A different truncation (p.Tyr2645Lysfs*14) that lies downstream of this variant has been determined to be pathogenic (PMID: 9824584, 1316610, 27081525, 8381579, 22135120, Invitae). This suggests that deletion of this region of the APC protein is causative of disease. For these reasons, this variant has been classified as Pathogenic. This variant is expected to disrupt the EB1 and HDLG binding sites, which mediate interactions with the cytoskeleton (PMID: 15311282, 17293347). While functional studies have not been performed to directly test the effect on APC protein function, this suggests that disruption of the C-terminal portion of the protein is functionally important. This variant is not present in population databases (ExAC no frequency). This sequence change results in a premature translational stop signal in the APC gene (p.Ala703Glyfs*3). While this is not anticipated to result in nonsense mediated decay, it is expected to disrupt the last 2141 amino acids of the APC protein.

Literature cited by the submitters: PubMed 20223039 (cited by Labcorp Genetics (formerly Invitae), Labcorp); PubMed 17486639 (cited by Labcorp Genetics (formerly Invitae), Labcorp); PubMed 9824584 (cited by Labcorp Genetics (formerly Invitae), Labcorp); PubMed 1316610 (cited by Labcorp Genetics (formerly Invitae), Labcorp); PubMed 27081525 (cited by Labcorp Genetics (formerly Invitae), Labcorp); PubMed 8381579 (cited by Labcorp Genetics (formerly Invitae), Labcorp); PubMed 22135120 (cited by Labcorp Genetics (formerly Invitae), Labcorp); PubMed 15311282 (cited by Labcorp Genetics (formerly Invitae), Labcorp); PubMed 17293347 (cited by Labcorp Genetics (formerly Invitae), Labcorp).